The following is an entry in ClinVar:

ClinVar aggregate classification (germline): Uncertain significance. Review status: criteria provided, multiple submitters, no conflicts (2 of 4 stars). 2 submissions from 2 submitters: Uncertain significance (2). Last evaluated 2023-09-14.

Allele frequency attached by ClinVar (database versions not stated): gnomAD exomes below 0.00001; gnomAD 0.00001; TOPMed 0.00001.
gnomAD v4.1: 6 of 1,551,094 alleles (0.00039%); highest among the groups gnomAD compares: Middle Eastern, 0.017%; no homozygotes.

Submissions (2):

Blueprint Genetics
Classification: Uncertain significance. Last evaluated: 2023-09-14. Review status: criteria provided, single submitter. Criteria: ACMG Guidelines, 2015. Collection method: clinical testing. Allele origin: germline.

GeneDx
Classification: Uncertain significance. Last evaluated: 2021-12-14. Review status: criteria provided, single submitter. Criteria: GeneDx Variant Classification Process June 2021. Collection method: clinical testing. Allele origin: germline. Affected: yes.
Comment: In silico analysis supports that this missense variant does not alter protein structure/function; Has not been previously published as pathogenic or benign to our knowledge

NM_001145026.2(PTPRQ):c.4112C>T (p.Thr1371Met)

Gene: PTPRQ (protein tyrosine phosphatase receptor type Q; plus strand). Cytogenetic location: 12q21.31.
Variant type: single nucleotide variant.
Coding change: c.4112C>T on transcript NM_001145026.2 (MANE Select); coding-DNA position 4112, C replaced by T.
Protein change: p.Thr1371Met; replaces threonine 1371 with methionine.
Molecular consequence: missense variant.
Genome position (GRCh38, 1-based): chr12:80,549,561, C>T. VCF-style: chr12-80549561-C-T. GRCh37 (hg19) VCF-style: chr12-80943340-C-T.
Other names: short protein forms T1371M.
Identifiers: ClinVar variation 1328769 (VCV001328769.3), dbSNP rs1473496238, ClinGen allele CA385878445.